The following is an entry in ClinVar:

ClinVar aggregate classification (germline): Uncertain significance. Review status: criteria provided, single submitter (1 of 4 stars). 2 submissions from 2 submitters: Uncertain significance (1). 1 of the submissions does not count toward it. Last evaluated 2024-06-10.

Conditions:
SHROOM2-related disorder. Also called: SHROOM2-related condition.

gnomAD v4.1: 159 of 1,211,160 alleles (0.013%); highest among the groups gnomAD compares: African/African-American, 0.26%; 1 homozygote.

Submissions (2):

Ambry Genetics
Classification: Uncertain significance. Last evaluated: 2024-06-10. Review status: criteria provided, single submitter. Criteria: Ambry Variant Classification Scheme 2023. Collection method: clinical testing. Allele origin: germline.

PreventionGenetics, part of Exact Sciences
Classification: Likely benign for SHROOM2-related condition. Last evaluated: 2019-07-12. Review status: no assertion criteria provided. Collection method: clinical testing. Allele origin: germline. Not counted in ClinVar's aggregate classification.
Comment: This variant is classified as likely benign based on ACMG/AMP sequence variant interpretation guidelines (Richards et al. 2015 PMID: 25741868, with internal and published modifications).

NM_001649.4(SHROOM2):c.2453T>C (p.Leu818Pro)

Gene: SHROOM2 (shroom family member 2; plus strand). Cytogenetic location: Xp22.2.
Variant type: single nucleotide variant.
Coding change: c.2453T>C on transcript NM_001649.4 (MANE Select); coding-DNA position 2453, T replaced by C.
Protein change: p.Leu818Pro; replaces leucine 818 with proline.
Molecular consequence: missense variant.
Genome position (GRCh38, 1-based): chrX:9,896,361, T>C. VCF-style: chrX-9896361-T-C. GRCh37 (hg19) VCF-style: chrX-9864401-T-C.
Other names: c.2453T>C (NM_001649.2); short protein forms L818P.
Identifiers: ClinVar variation 3049614 (VCV003049614.3), dbSNP rs61744804, ClinGen allele CA10345554.